The following is an entry in ClinVar:

ClinVar aggregate classification (germline): Uncertain significance (1 of 4 stars; one submission).

Conditions:
Cardiovascular phenotype. Identifiers: MedGen CN230736.
Hereditary cancer-predisposing syndrome. Also called: Tumor predisposition; Hereditary neoplastic syndrome; Neoplastic Syndromes, Hereditary; Hereditary Cancer Syndrome. Identifiers: Orphanet 140162, MedGen C0027672, MeSH D009386, MONDO:0015356.

Submission:

Ambry Genetics
Classification: Uncertain significance for Cardiovascular phenotype; Hereditary cancer-predisposing syndrome. Last evaluated: 2025-04-13. Review status: criteria provided, single submitter. Criteria: Ambry Variant Classification Scheme 2023. Collection method: clinical testing. Allele origin: germline.
Comment: The p.M2761V variant (also known as c.8281A>G), located in coding exon 56 of the NF1 gene, results from an A to G substitution at nucleotide position 8281. The methionine at codon 2761 is replaced by valine, an amino acid with highly similar properties. This amino acid position is conserved. In addition, this alteration is predicted to be tolerated by in silico analysis. Based on the available evidence, the clinical significance of this variant remains unclear.

NM_001042492.3(NF1):c.8344A>G (p.Met2782Val)

Gene: NF1 (neurofibromin 1; plus strand). Cytogenetic location: 17q11.2.
Variant type: single nucleotide variant.
Coding change: c.8344A>G on transcript NM_001042492.3 (MANE Select); coding-DNA position 8344, A replaced by G.
Protein change: p.Met2782Val; replaces methionine 2782 with valine.
Molecular consequence: missense variant.
Genome position (GRCh38, 1-based): chr17:31,360,670, A>G. VCF-style: chr17-31360670-A-G. GRCh37 (hg19) VCF-style: chr17-29687688-A-G.
Other names: c.8281A>G, p.Met2761Val (NM_000267.4); short protein forms M2782V, M2761V.
Identifiers: ClinVar variation 4022073 (VCV004022073.1).